The following is an entry in ClinVar:

NM_177438.3(DICER1):c.2186A>C (p.His729Pro)

Gene: DICER1 (dicer 1, ribonuclease III; minus strand). Cytogenetic location: 14q32.13.
Variant type: single nucleotide variant.
Coding change: c.2186A>C on transcript NM_177438.3 (MANE Select); coding-DNA position 2186, A replaced by C.
Protein change: p.His729Pro; replaces histidine 729 with proline.
Molecular consequence: missense variant. On other transcripts: non-coding transcript variant (6).
Genome position (GRCh38, 1-based): chr14:95,111,387, T>G on the plus strand (A>C on the coding strand, the complement: DICER1 is on the minus strand). VCF-style: chr14-95111387-T-G. GRCh37 (hg19) VCF-style: chr14-95577724-T-G.
Other names: c.2186A>C, p.His729Pro (NM_001195573.1, NM_001271282.3, NM_001291628.2 and 12 more transcripts); c.1904A>C, p.His635Pro (NM_001395686.1); c.1781A>C, p.His594Pro (NM_001395687.1, NM_001395688.1, NM_001395689.1 and 3 more transcripts); c.1619A>C, p.His540Pro (NM_001395691.1); c.503A>C, p.His168Pro (NM_001395697.1); short protein forms H168P, H540P, H594P, H635P, H729P.
Identifiers: ClinVar variation 1692083 (VCV001692083.3), dbSNP rs748084431, ClinGen allele CA390882685.

ClinVar aggregate classification (germline): Uncertain significance. Review status: criteria provided, multiple submitters, no conflicts (2 of 4 stars). 2 submissions from 2 submitters: Uncertain significance (2). Last evaluated 2023-07-19.

Conditions:
Hereditary cancer-predisposing syndrome. Also called: Hereditary Cancer Syndrome; Hereditary neoplastic syndrome; Neoplastic Syndromes, Hereditary; Tumor predisposition. Identifiers: Orphanet 140162, MedGen C0027672, MeSH D009386, MONDO:0015356.

gnomAD v4.1: 1 of 1,614,200 alleles (0.000062%); highest among the groups gnomAD compares: Non-Finnish European, 0.000085%; no homozygotes.

Submissions (2):

Ambry Genetics
Classification: Uncertain significance for Hereditary cancer-predisposing syndrome. Last evaluated: 2023-07-19. Review status: criteria provided, single submitter. Criteria: Ambry Variant Classification Scheme 2023. Collection method: clinical testing. Allele origin: germline.
Comment: The p.H729P variant (also known as c.2186A>C), located in coding exon 13 of the DICER1 gene, results from an A to C substitution at nucleotide position 2186. The histidine at codon 729 is replaced by proline, an amino acid with similar properties. This amino acid position is highly conserved in available vertebrate species. In addition, the in silico prediction for this alteration is inconclusive. Since supporting evidence is limited at this time, the clinical significance of this alteration remains unclear.

Sema4
Classification: Uncertain significance for Hereditary cancer-predisposing syndrome. Last evaluated: 2021-10-19. Review status: criteria provided, single submitter. Criteria: Sema4 Curation Guidelines. Collection method: curation. Allele origin: germline.
Comment: The DICER1 c.2186A>C (p.H729P) variant has not been reported in the literature to our knowledge. This variant was not observed in the large and broad cohorts of the Genome Aggregation Database (PMID: 32461654). This variant has not been reported in ClinVar. Functional studies have not been performed, and in silico predictions of the variant's effect on protein function are not available. The overall evidence is insufficient to meet ACMG/AMP criteria for classifying it as benign or pathogenic. Based on the current evidence available, this variant is interpreted as a variant of uncertain significance.